The following is an entry in ClinVar:

NM_001089.3(ABCA3):c.1595T>C (p.Ile532Thr)

Gene: ABCA3 (ATP binding cassette subfamily A member 3; minus strand). Cytogenetic location: 16p13.3.
Variant type: single nucleotide variant.
Coding change: c.1595T>C on transcript NM_001089.3 (MANE Select); coding-DNA position 1595, T replaced by C.
Protein change: p.Ile532Thr; replaces isoleucine 532 with threonine.
Molecular consequence: missense variant.
Genome position (GRCh38, 1-based): chr16:2,300,021, A>G on the plus strand (T>C on the coding strand, the complement: ABCA3 is on the minus strand). VCF-style: chr16-2300021-A-G. GRCh37 (hg19) VCF-style: chr16-2350022-A-G.
Other names: short protein forms I532T.
Identifiers: ClinVar variation 932919 (VCV000932919.1), dbSNP rs2093686483, ClinGen allele CA394334972.

ClinVar aggregate classification (germline): Uncertain significance (1 of 4 stars; one submission).

Conditions:
Interstitial lung disease due to ABCA3 deficiency. Also called: PULMONARY ALVEOLAR PROTEINOSIS, CONGENITAL, 3. Identifiers: Orphanet 440402, MedGen C1970456, MONDO:0012582, OMIM 610921.

Submission:

Johns Hopkins Genomics, Johns Hopkins University
Classification: Uncertain significance for Interstitial lung disease due to ABCA3 deficiency. Last evaluated: 2020-01-16. Review status: criteria provided, single submitter. Criteria: ACMG Guidelines, 2015. Collection method: clinical testing. Allele origin: germline.
Comment: This ABCA3 variant is absent from a large population dataset and has not been reported in the literature, to our knowledge. Three bioinformatic tools queried predict that this substitution would be probably damaging, and the isoleucine residue at this position is evolutionarily conserved across all species assessed. Bioinformatic analysis predicts that this missense variant would not affect normal exon 13 splicing, although this has not been confirmed experimentally to our knowledge. We consider the clinical significance of c.1595T>C to be uncertain at this time.